The following is an entry in ClinVar:

NM_004415.4(DSP):c.7745_7746del (p.Val2581_Phe2582insTer)

Gene: DSP (desmoplakin; plus strand). Cytogenetic location: 6p24.3.
Variant type: Deletion.
Coding change: c.7745_7746del on transcript NM_004415.4 (MANE Select); coding-DNA positions 7745 to 7746, 2 bases deleted (TT; older notation c.7745_7746delTT).
Protein change: p.Val2581_Phe2582insTer.
Molecular consequence: nonsense.
Genome position (GRCh38, 1-based): chr6:7,585,007-7,585,008, TT deleted; deleting any 2 consecutive bases within chr6:7,585,004-7,585,008 gives the same sequence; the c. name uses the placement nearest the transcript's 3' end. VCF-style (leftmost placement, unchanged base first): chr6-7585003-GTT-G. GRCh37 (hg19) VCF-style: chr6-7585236-GTT-G.
Other names: c.5948_5949del, p.Val1982_Phe1983insTer (NM_001008844.3); c.6416_6417del, p.Val2138_Phe2139insTer (NM_001319034.2).
Identifiers: ClinVar variation 1709878 (VCV001709878.2), dbSNP rs2533947784, ClinGen allele CA2580075382.

ClinVar aggregate classification (germline): Likely pathogenic (1 of 4 stars; one submission).

Conditions:
Arrhythmogenic right ventricular dysplasia 8 (ARVD8). Also called: ARRHYTHMOGENIC RIGHT VENTRICULAR DYSPLASIA, FAMILIAL, 8; ARRHYTHMOGENIC RIGHT VENTRICULAR CARDIOMYOPATHY 8; Arrhythmogenic Right Ventricular Dysplasia/Cardiomyopathy 8. Identifiers: MedGen C1843896, MONDO:0011831, OMIM 607450.

Submission:

MGZ Medical Genetics Center
Classification: Likely pathogenic for Arrhythmogenic right ventricular dysplasia 8. Last evaluated: 2021-10-21. Review status: criteria provided, single submitter. Criteria: ACMG Guidelines, 2015. Collection method: clinical testing. Allele origin: germline. Affected: yes. Observed: 1 variant allele.
Comment: ACMG criteria applied: PVS1, PM2_SUP